The following is an entry in ClinVar:

NM_001374736.1(DST):c.21403-23TG[6]

Gene: DST (dystonin; minus strand). Cytogenetic location: 6p12.1.
Variant type: Microsatellite.
Coding change: c.21403-23TG[6] on transcript NM_001374736.1 (MANE Select); six copies in a row of the 2-base unit TG starting at c.21403-23; the reference has seven copies in a row; one copy, 2 bases deleted.
Molecular consequence: intron variant.
Genome position (GRCh38, 1-based): chr6:56,482,188-56,482,189, CA deleted on the plus strand (TG on the coding strand, the reverse complement: DST is on the minus strand); deleting any 2 consecutive bases within chr6:56,482,188-56,482,202 gives the same sequence; the position shown is the placement nearest the transcript's 3' end. VCF-style (leftmost placement, unchanged base first): chr6-56482187-TCA-T. GRCh37 (hg19) VCF-style: chr6-56346985-TCA-T.
Other names: c.15046-23TG[6] (NM_001144769.5); c.21403-23TG[6] (NM_001374722.1); c.21430-23TG[6] (NM_001374734.1); c.14632-23TG[6] (NM_001144770.2); c.14185-23TG[6] (NM_001374730.1); c.14512-23TG[6] (NM_001386100.1, NM_183380.4); c.20443-23TG[6] (NM_001374729.1); c.13534-23TG[6] (NM_015548.5); and 1 more.
Identifiers: ClinVar variation 1598604 (VCV001598604.11), dbSNP rs144810945, ClinGen allele CA3866485.

ClinVar aggregate classification (germline): Benign/Likely benign. Review status: criteria provided, multiple submitters, no conflicts (2 of 4 stars). 3 submissions from 3 submitters: Benign (1); Likely benign (1). 1 of the submissions does not count toward it. Last evaluated 2024-11-26.

Conditions:
Hereditary sensory and autonomic neuropathy type 6. Also called: HSAN VI; Neuropathy, hereditary sensory and autonomic, type VI. Identifiers: Orphanet 314381, MedGen C3539003, MONDO:0013839, OMIM 614653.
Epidermolysis bullosa simplex 3, localized or generalized intermediate, with BP230 deficiency (EBS3). Also called: Epidermolysis bullosa simplex, autosomal recessive 2; Epidermolysis bullosa simplex due to BP230 deficiency. Identifiers: Orphanet 412181, MedGen C3809470, MONDO:0014180, OMIM 615425.
DST-related disorder. Also called: DST-related condition; DST-related disorders.

Submissions (3):

Blueprint Genetics
Classification: Likely benign. Last evaluated: 2024-11-26. Review status: criteria provided, single submitter. Criteria: ACMG Guidelines, 2015. Collection method: clinical testing. Allele origin: germline.

Labcorp Genetics (formerly Invitae), Labcorp
Classification: Benign for Epidermolysis bullosa simplex 3, localized or generalized intermediate, with BP230 deficiency; Hereditary sensory and autonomic neuropathy type 6. Last evaluated: 2024-09-05. Review status: criteria provided, single submitter. Criteria: Invitae Variant Classification Sherloc (09022015). Collection method: clinical testing. Allele origin: germline.

PreventionGenetics, part of Exact Sciences
Classification: Likely benign for DST-related condition. Last evaluated: 2019-10-03. Review status: no assertion criteria provided. Collection method: clinical testing. Allele origin: germline. Not counted in ClinVar's aggregate classification.
Comment: This variant is classified as likely benign based on ACMG/AMP sequence variant interpretation guidelines (Richards et al. 2015 PMID: 25741868, with internal and published modifications).